The following is an entry in ClinVar:

ClinVar aggregate classification (germline): Pathogenic (1 of 4 stars; one submission).

Conditions:
BAP1-related tumor predisposition syndrome (TPDS1). Also called: BAP1 tumor predisposition syndrome; Tumor susceptibility linked to germline BAP1 mutations; COMMON Syndrome; TUMOR PREDISPOSITION SYNDROME 1. Identifiers: Orphanet 289539, MedGen C3280492, MONDO:0013692, OMIM 614327.

Submission:

Myriad Genetics, Inc.
Classification: Pathogenic for BAP1-related tumor predisposition syndrome. Last evaluated: 2023-06-13. Review status: criteria provided, single submitter. Criteria: Myriad Autosomal Dominant, Autosomal Recessive and X-Linked Classification Criteria (2023). Collection method: clinical testing. Allele origin: unknown.
Comment: This variant is considered pathogenic. This variant creates a frameshift predicted to result in premature protein truncation.

NM_004656.4(BAP1):c.1839_1848dup (p.Arg617fs)

Gene: BAP1 (BRCA1 associated deubiquitinase 1; minus strand). Cytogenetic location: 3p21.1.
Variant type: Duplication.
Coding change: c.1839_1848dup on transcript NM_004656.4 (MANE Select); coding-DNA positions 1839 to 1848, 10 bases duplicated (GGGGATGGTG; older notation c.1839_1848dupGGGGATGGTG).
Protein change: p.Arg617fs; shifts the reading frame from arginine 617.
Molecular consequence: frameshift variant.
Genome position (GRCh38, 1-based): chr3:52,403,180-52,403,189, CACCATCCCC duplicated on the plus strand (GGGGATGGTG on the coding strand, the reverse complement: BAP1 is on the minus strand). VCF-style (leftmost placement, unchanged base first): chr3-52403179-T-TCACCATCCCC. GRCh37 (hg19) VCF-style: chr3-52437195-T-TCACCATCCCC.
Other names: c.1785_1794dup, p.Arg599fs (NM_001410772.1); short protein forms R599fs, R617fs.
Identifiers: ClinVar variation 2583846 (VCV002583846.2), dbSNP rs2471324726, ClinGen allele CA2582342857.
Genomic context (GRCh38, chr3:52,403,179, plus strand): 5'-AACCACAACGGAGGCTCACCTTGGGTGAGTATTTCTCCCCACTCAAGGGCTCGCCAGGCC[T>TCACCATCCCC]CACCATCCCCGTCTTCTCTCTGCTGTCCGTGGCTTCCACGACCTCCTTCTCCACTGGGCT-3'